The following is an entry in ClinVar:

NM_001379286.1(ZNF423):c.1209G>C (p.Lys403Asn)

Gene: ZNF423 (zinc finger protein 423; minus strand). Cytogenetic location: 16q12.1.
Variant type: single nucleotide variant.
Coding change: c.1209G>C on transcript NM_001379286.1 (MANE Select); coding-DNA position 1209, G replaced by C.
Protein change: p.Lys403Asn; replaces lysine 403 with asparagine.
Molecular consequence: missense variant.
Genome position (GRCh38, 1-based): chr16:49,637,967, C>G on the plus strand (G>C on the coding strand, the complement: ZNF423 is on the minus strand). VCF-style: chr16-49637967-C-G. GRCh37 (hg19) VCF-style: chr16-49671878-C-G.
Other names: c.1005G>C, p.Lys335Asn (NM_001271620.2); c.834G>C, p.Lys278Asn (NM_001330533.2); c.1185G>C, p.Lys395Asn (NM_015069.5); short protein forms K395N, K278N, K403N, K335N.
Identifiers: ClinVar variation 1496644 (VCV001496644.8), dbSNP rs749784412, ClinGen allele CA8046731.

ClinVar aggregate classification (germline): Uncertain significance (1 of 4 stars; one submission).

Conditions:
Nephronophthisis 14 (NPHP14). Identifiers: Orphanet 2318, MedGen C3539071, MONDO:0013916, OMIM 614844.

Allele frequency attached by ClinVar (database versions not stated): gnomAD exomes below 0.00001; ExAC 0.00001; gnomAD 0.00001; TOPMed 0.00001.
gnomAD v4.1: 5 of 1,614,040 alleles (0.00031%); highest among the groups gnomAD compares: Non-Finnish European, 0.00034%; no homozygotes.

Submission:

Labcorp Genetics (formerly Invitae), Labcorp
Classification: Uncertain significance for Nephronophthisis 14. Last evaluated: 2021-03-24. Review status: criteria provided, single submitter. Criteria: Invitae Variant Classification Sherloc (09022015). Collection method: clinical testing. Allele origin: germline.
Comment: In summary, the available evidence is currently insufficient to determine the role of this variant in disease. Therefore, it has been classified as a Variant of Uncertain Significance. Algorithms developed to predict the effect of missense changes on protein structure and function are either unavailable or do not agree on the potential impact of this missense change (SIFT: "Deleterious"; PolyPhen-2: "Benign"; Align-GVGD: "Class C0"). This variant has not been reported in the literature in individuals with ZNF423-related conditions. This variant is present in population databases (rs749784412, ExAC 0.002%). This sequence change replaces lysine with asparagine at codon 395 of the ZNF423 protein (p.Lys395Asn). The lysine residue is moderately conserved and there is a moderate physicochemical difference between lysine and asparagine.